The following is an entry in ClinVar:

ClinVar aggregate classification (germline): Uncertain significance (1 of 4 stars; one submission).

Allele frequency attached by ClinVar (database versions not stated): TOPMed below 0.00001; ExAC 0.00001; gnomAD 0.00001.
gnomAD v4.1: 1 of 1,611,252 alleles (0.000062%); highest among the groups gnomAD compares: Non-Finnish European, 0.000085%; no homozygotes.

Submission:

Labcorp Genetics (formerly Invitae), Labcorp
Classification: Uncertain significance. Last evaluated: 2021-12-29. Review status: criteria provided, single submitter. Criteria: Invitae Variant Classification Sherloc (09022015). Collection method: clinical testing. Allele origin: germline.
Comment: This variant has not been reported in the literature in individuals affected with RCBTB1-related conditions. This sequence change replaces alanine, which is neutral and non-polar, with threonine, which is neutral and polar, at codon 440 of the RCBTB1 protein (p.Ala440Thr). This variant is not present in population databases (gnomAD no frequency). Algorithms developed to predict the effect of missense changes on protein structure and function are either unavailable or do not agree on the potential impact of this missense change (SIFT: "Deleterious"; PolyPhen-2: "Possibly Damaging"; Align-GVGD: "Class C0"). In summary, the available evidence is currently insufficient to determine the role of this variant in disease. Therefore, it has been classified as a Variant of Uncertain Significance.

NM_018191.4(RCBTB1):c.1318G>A (p.Ala440Thr)

Gene: RCBTB1 (RCC1 and BTB domain containing protein 1; minus strand). Cytogenetic location: 13q14.2.
Variant type: single nucleotide variant.
Coding change: c.1318G>A on transcript NM_018191.4 (MANE Select); coding-DNA position 1318, G replaced by A.
Protein change: p.Ala440Thr; replaces alanine 440 with threonine.
Molecular consequence: missense variant. On other transcripts: non-coding transcript variant (2).
Genome position (GRCh38, 1-based): chr13:49,541,682, C>T on the plus strand (G>A on the coding strand, the complement: RCBTB1 is on the minus strand). VCF-style: chr13-49541682-C-T. GRCh37 (hg19) VCF-style: chr13-50115818-C-T.
Other names: c.1318G>A, p.Ala440Thr (NM_001352500.2, NM_001352501.2, NM_001352502.2 and 2 more transcripts); c.739G>A, p.Ala247Thr (NM_001352506.2); short protein forms A247T, A440T.
Identifiers: ClinVar variation 2065447 (VCV002065447.4), dbSNP rs765088709, ClinGen allele CA6982617.